The following is an entry in ClinVar:

NM_000026.4(ADSL):c.807dup (p.Arg270fs)

Gene: ADSL (adenylosuccinate lyase; plus strand). Cytogenetic location: 22q13.1.
Variant type: Duplication.
Coding change: c.807dup on transcript NM_000026.4 (MANE Select); coding-DNA position 807, one base duplicated (A; older notation c.807dupA).
Protein change: p.Arg270fs; shifts the reading frame from arginine 270.
Molecular consequence: frameshift variant. On other transcripts: non-coding transcript variant (1).
Genome position (GRCh38, 1-based): chr22:40,361,287, A duplicated. VCF-style (leftmost placement, unchanged base first): chr22-40361286-T-TA. GRCh37 (hg19) VCF-style: chr22-40757290-T-TA.
Other names: c.807dup, p.Arg270fs (NM_001123378.3, NM_001363840.3); c.615dup, p.Arg206fs (NM_001317923.2); c.807dup, p.Arg270Thrfs (NM_001410812.1, NM_001410816.1); c.762dup, p.Arg255Thrfs (NM_001410814.1); c.807dupA (NM_000026.4); short protein forms R206fs, R270fs.
Identifiers: ClinVar variation 1942226 (VCV001942226.7), dbSNP rs774729848, ClinGen allele CA10247837.

ClinVar aggregate classification (germline): Pathogenic. Review status: criteria provided, multiple submitters, no conflicts (2 of 4 stars). 3 submissions from 3 submitters: Pathogenic (3). Last evaluated 2026-04-15.

Conditions:
Adenylosuccinate lyase deficiency (ADSLD). Also called: ADSL DEFICIENCY. Identifiers: Orphanet 46, MedGen C0268126, MONDO:0007068, OMIM 103050.

Allele frequency attached by ClinVar (database versions not stated): gnomAD exomes below 0.00001; TOPMed below 0.00001; ExAC 0.00001; gnomAD 0.00001.

Submissions (3):

Women's Health and Genetics/Laboratory Corporation of America, LabCorp
Classification: Pathogenic for Adenylosuccinate lyase deficiency. Last evaluated: 2026-04-15. Review status: criteria provided, single submitter. Criteria: LabCorp Variant Classification Summary - May 2015. Collection method: clinical testing. Allele origin: germline.
Comment: Variant summary: ADSL c.807dupA (p.Arg270ThrfsX14) results in a premature termination codon, predicted to cause a truncation of the encoded protein or absence of the protein due to nonsense mediated decay, which are commonly known mechanisms for disease. The variant allele was found at a frequency of 4e-06 in 251464 control chromosomes. To our knowledge, no occurrence of c.807dupA in individuals affected with ADSL-related conditions and no experimental evidence demonstrating its impact on protein function have been reported. ClinVar contains an entry for this variant (Variation ID: 1942226). Based on the evidence outlined above, the variant was classified as pathogenic.

Labcorp Genetics (formerly Invitae), Labcorp
Classification: Pathogenic for Adenylosuccinate lyase deficiency. Last evaluated: 2025-12-20. Review status: criteria provided, single submitter. Criteria: Invitae Variant Classification Sherloc (09022015). Collection method: clinical testing. Allele origin: germline.
Comment: This sequence change creates a premature translational stop signal (p.Arg270Thrfs*14) in the ADSL gene. It is expected to result in an absent or disrupted protein product. Loss-of-function variants in ADSL are known to be pathogenic (PMID: 10888601, 20177786). This variant is present in population databases (rs774729848, gnomAD 0.0009%). This variant has not been reported in the literature in individuals affected with ADSL-related conditions. ClinVar contains an entry for this variant (Variation ID: 1942226). Algorithms developed to predict the effect of sequence changes on RNA splicing suggest that this variant may disrupt the consensus splice site. For these reasons, this variant has been classified as Pathogenic.

GeneDx
Classification: Pathogenic. Last evaluated: 2024-10-02. Review status: criteria provided, single submitter. Criteria: GeneDx Variant Classification Process June 2021. Collection method: clinical testing. Allele origin: germline. Affected: yes.
Comment: Frameshift variant predicted to result in protein truncation or nonsense mediated decay in a gene for which loss-of-function is a known mechanism of disease; Not observed at a significant frequency in large population cohorts (gnomAD); Has not been previously reported as pathogenic or benign in association with ADSL-related disorders to our knowledge; This variant is associated with the following publications: (PMID: 28127531)

Literature cited by the submitters: PubMed 10888601 (cited by Labcorp Genetics (formerly Invitae), Labcorp); PubMed 20177786 (cited by Labcorp Genetics (formerly Invitae), Labcorp).